The following is an entry in ClinVar:

ClinVar aggregate classification (germline): Benign/Likely benign. Review status: criteria provided, multiple submitters, no conflicts (2 of 4 stars). 4 submissions from 4 submitters: Benign (1); Likely benign (3). Last evaluated 2025-12-03.

Conditions:
WHRN-related disorder. Also called: WHRN-related condition.

Allele frequency attached by ClinVar (database versions not stated): gnomAD exomes 0.00009 and 0.00013; ExAC 0.00014; gnomAD 0.00002; TOPMed 0.00003.
gnomAD v4.1: 142 of 1,614,014 alleles (0.0088%); highest among the groups gnomAD compares: South Asian, 0.06%; 1 homozygote.

Submissions (4):

Labcorp Genetics (formerly Invitae), Labcorp
Classification: Benign. Last evaluated: 2025-12-03. Review status: criteria provided, single submitter. Criteria: Invitae Variant Classification Sherloc (09022015). Collection method: clinical testing. Allele origin: germline.

PreventionGenetics, part of Exact Sciences
Classification: Likely benign for WHRN-related condition. Last evaluated: 2025-03-13. Review status: criteria provided, single submitter. Criteria: ACMG Guidelines, 2015. Collection method: clinical testing. Allele origin: germline.
Comment: This variant is classified as likely benign based on ACMG/AMP sequence variant interpretation guidelines (Richards et al. 2015 PMID: 25741868, with internal and published modifications).

Blueprint Genetics
Classification: Likely benign. Last evaluated: 2024-10-16. Review status: criteria provided, single submitter. Criteria: ACMG Guidelines, 2015. Collection method: clinical testing. Allele origin: germline.

GeneDx
Classification: Likely benign. Last evaluated: 2019-02-01. Review status: criteria provided, single submitter. Criteria: GeneDx Variant Classification Process June 2021. Collection method: clinical testing. Allele origin: germline. Affected: yes.
Comment: This variant is associated with the following publications: (PMID: 20352026)

NM_015404.4(WHRN):c.1486C>T (p.Leu496=)

Gene: WHRN (whirlin; minus strand). Cytogenetic location: 9q32.
Variant type: single nucleotide variant.
Coding change: c.1486C>T on transcript NM_015404.4 (MANE Select); coding-DNA position 1486, C replaced by T.
Protein change: p.Leu496=; no amino-acid change (leucine 496 retained).
Molecular consequence: synonymous variant.
Genome position (GRCh38, 1-based): chr9:114,423,454, G>A on the plus strand (C>T on the coding strand, the complement: WHRN is on the minus strand). VCF-style: chr9-114423454-G-A. GRCh37 (hg19) VCF-style: chr9-117185734-G-A.
Other names: c.337C>T, p.Leu113= (NM_001083885.3); c.1486C>T, p.Leu496= (NM_001173425.2); c.433C>T, p.Leu145= (NM_001346890.1); c.1486C>T (NM_015404.3).
Identifiers: ClinVar variation 1167951 (VCV001167951.14), dbSNP rs758197889, ClinGen allele CA5205935.